The following is an entry in ClinVar:

NM_000208.4(INSR):c.1147G>A (p.Ala383Thr)

Gene: INSR (insulin receptor; minus strand). Cytogenetic location: 19p13.2.
Variant type: single nucleotide variant.
Coding change: c.1147G>A on transcript NM_000208.4 (MANE Select); coding-DNA position 1147, G replaced by A.
Protein change: p.Ala383Thr; replaces alanine 383 with threonine.
Molecular consequence: missense variant.
Genome position (GRCh38, 1-based): chr19:7,172,411, C>T on the plus strand (G>A on the coding strand, the complement: INSR is on the minus strand). VCF-style: chr19-7172411-C-T. GRCh37 (hg19) VCF-style: chr19-7172422-C-T.
Other names: c.1147G>A, p.Ala383Thr (NM_001079817.3); short protein forms A383T.
Identifiers: ClinVar variation 1365481 (VCV001365481.6), dbSNP rs543791069, ClinGen allele CA304859591.
Genomic context (GRCh38, chr19:7,172,411, plus strand): 5'-GAGCGTAGGATCGGCGGATTTTTAGATACCCTGAAATTTCTTCAATGAGGCCGAGGTTGG[C>T]TTCTAGCTCAGCTGCCAGATTGTCTAAGGAAAGGAGAGAATATCCAGTGGGTTTCTATAG-3'
Protein context (NP_000199.2, residues 373-393): GGNNLAAELE[Ala383Thr]NLGLIEEISG

ClinVar aggregate classification (germline): Uncertain significance (1 of 4 stars; one submission).

Allele frequency attached by ClinVar (database versions not stated): gnomAD 0.00001 and 0.00002; gnomAD exomes 0.00001 and 0.00003; TOPMed 0.00001.

Submission:

Labcorp Genetics (formerly Invitae), Labcorp
Classification: Uncertain significance. Last evaluated: 2021-11-23. Review status: criteria provided, single submitter. Criteria: Invitae Variant Classification Sherloc (09022015). Collection method: clinical testing. Allele origin: germline.
Comment: In summary, the available evidence is currently insufficient to determine the role of this variant in disease. Therefore, it has been classified as a Variant of Uncertain Significance. Advanced modeling of protein sequence and biophysical properties (such as structural, functional, and spatial information, amino acid conservation, physicochemical variation, residue mobility, and thermodynamic stability) performed at Invitae indicates that this missense variant is not expected to disrupt INSR protein function. This missense change has been observed in individual(s) with diabetes (PMID: 30663027). This variant is present in population databases (rs543791069, gnomAD 0.007%). This sequence change replaces alanine, which is neutral and non-polar, with threonine, which is neutral and polar, at codon 383 of the INSR protein (p.Ala383Thr).

Literature cited by the submitters: PubMed 30663027.